The following is an entry in ClinVar:

ClinVar aggregate classification (germline): Uncertain significance. Review status: criteria provided, single submitter (1 of 4 stars). 2 submissions from 2 submitters: Uncertain significance (1). 1 of the submissions does not count toward it. Last evaluated 2025-02-05.

Allele frequency attached by ClinVar (database versions not stated): gnomAD exomes below 0.00001.
gnomAD v4.1: 1 of 1,613,948 alleles (0.000062%); highest among the groups gnomAD compares: Non-Finnish European, 0.000085%; no homozygotes.

Submissions (2):

Ambry Genetics
Classification: Uncertain significance. Last evaluated: 2025-02-05. Review status: criteria provided, single submitter. Criteria: Ambry Variant Classification Scheme 2023. Collection method: clinical testing. Allele origin: germline.
Comment: The p.Y634H variant (also known as c.1900T>C), located in coding exon 1 of the TET2 gene, results from a T to C substitution at nucleotide position 1900. The tyrosine at codon 634 is replaced by histidine, an amino acid with similar properties. This amino acid position is conserved. In addition, this alteration is predicted to be tolerated by in silico analysis. Based on the available evidence, the clinical significance of this variant remains unclear.

Genetic Services Laboratory, University of Chicago
Classification: Uncertain significance. Last evaluated: 2022-06-29. Review status: no assertion criteria provided. Collection method: clinical testing. Allele origin: germline. Affected: no. Not counted in ClinVar's aggregate classification.
Comment: DNA sequence analysis of the TET2 gene demonstrated a sequence change, c.1900T>C, in exon 3 that results in an amino acid change, p.Tyr634His. This sequence change does not appear to have been previously described in individuals with TET2-related disorders and has also not been described in population databases such as ExAC and gnomAD. The p.Tyr634His change affects a moderately conserved amino acid residue located in a domain of the TET2 protein that is not known to be functional. In-silico pathogenicity prediction tools (SIFT, PolyPhen2, Align GVGD, REVEL) provide contradictory results for the p.Tyr634His substitution. Due to insufficient evidences and the lack of functional studies, the clinical significance of the p.Tyr634His change remains unknown at this time.

NM_001127208.3(TET2):c.1900T>C (p.Tyr634His)

Genes: TET2 (tet methylcytosine dioxygenase 2; plus strand), TET2-AS1 (TET2 antisense RNA 1; minus strand). Cytogenetic location: 4q24.
Variant type: single nucleotide variant.
Coding change: c.1900T>C on transcript NM_001127208.3 (MANE Select); coding-DNA position 1900, T replaced by C.
Protein change: p.Tyr634His; replaces tyrosine 634 with histidine.
Molecular consequence: missense variant.
Genome position (GRCh38, 1-based): chr4:105,235,842, T>C. VCF-style: chr4-105235842-T-C. GRCh37 (hg19) VCF-style: chr4-106156999-T-C.
Other names: c.1900T>C, p.Tyr634His (NM_017628.4); short protein forms Y634H.
Identifiers: ClinVar variation 2443280 (VCV002443280.3), dbSNP rs2110230538, ClinGen allele CA357796862.